The following is an entry in ClinVar:

ClinVar aggregate classification (germline): Uncertain significance (1 of 4 stars; one submission).

Conditions:
Early-infantile DEE. Also called: Early infantile epileptic encephalopathy; Early infantile epileptic encephalopathy with suppression bursts; Ohtahara syndrome. Identifiers: Orphanet 1934, MedGen C0393706, MONDO:0800491.

Allele frequency attached by ClinVar (database versions not stated): gnomAD exomes below 0.00001.
gnomAD v4.1: 1 of 1,612,728 alleles (0.000062%); highest among the groups gnomAD compares: South Asian, 0.0011%; no homozygotes.

Submission:

Labcorp Genetics (formerly Invitae), Labcorp
Classification: Uncertain significance for Early-infantile DEE. Last evaluated: 2023-09-27. Review status: criteria provided, single submitter. Criteria: Invitae Variant Classification Sherloc (09022015). Collection method: clinical testing. Allele origin: germline.
Comment: In summary, the available evidence is currently insufficient to determine the role of this variant in disease. Therefore, it has been classified as a Variant of Uncertain Significance. Advanced modeling of protein sequence and biophysical properties (such as structural, functional, and spatial information, amino acid conservation, physicochemical variation, residue mobility, and thermodynamic stability) performed at Invitae indicates that this missense variant is not expected to disrupt SCN8A protein function. This variant has not been reported in the literature in individuals affected with SCN8A-related conditions. This variant is not present in population databases (gnomAD no frequency). This sequence change replaces phenylalanine, which is neutral and non-polar, with cysteine, which is neutral and slightly polar, at codon 574 of the SCN8A protein (p.Phe574Cys).

NM_001330260.2(SCN8A):c.1721T>G (p.Phe574Cys)

Gene: SCN8A (sodium voltage-gated channel alpha subunit 8; plus strand). Cytogenetic location: 12q13.13.
Variant type: single nucleotide variant.
Coding change: c.1721T>G on transcript NM_001330260.2 (MANE Select); coding-DNA position 1721, T replaced by G.
Protein change: p.Phe574Cys; replaces phenylalanine 574 with cysteine.
Molecular consequence: missense variant.
Genome position (GRCh38, 1-based): chr12:51,721,631, T>G. VCF-style: chr12-51721631-T-G. GRCh37 (hg19) VCF-style: chr12-52115415-T-G.
Other names: c.1721T>G, p.Phe574Cys (NM_001177984.3, NM_001369788.1, NM_014191.4); short protein forms F574C.
Identifiers: ClinVar variation 2718806 (VCV002718806.3), dbSNP rs2540203954, ClinGen allele CA385229440.